The following is an entry in ClinVar:

ClinVar aggregate classification (germline): Pathogenic. Review status: reviewed by expert panel (3 of 4 stars). 11 submissions from 11 submitters: Pathogenic (1). 10 of the submissions do not count toward it. Last evaluated 2016-09-08.

Conditions:
BRCA2-related disorder. Also called: BRCA2-related condition; BRCA2-related disorders. Identifiers: MedGen CN239275.
Hereditary cancer-predisposing syndrome. Also called: Tumor predisposition; Neoplastic Syndromes, Hereditary; Hereditary neoplastic syndrome; Hereditary Cancer Syndrome. Identifiers: Orphanet 140162, MedGen C0027672, MeSH D009386, MONDO:0015356.
Hereditary breast ovarian cancer syndrome. Also called: Hereditary breast and ovarian cancer; BRCA1- and BRCA2-Associated Hereditary Breast and Ovarian Cancer; Hereditary breast and/or ovarian cancer syndrome; Hereditary breast and ovarian cancer syndrome; Breast and ovarian cancer; Hereditary breast and ovarian cancer syndrome (HBOC). Identifiers: Orphanet 145, MedGen C0677776, MeSH D061325, MONDO:0003582. Disease mechanism: loss of function.
Breast-ovarian cancer, familial, susceptibility to, 2 (BROVCA2). Also called: BRCA2 Hereditary Breast and Ovarian Cancer. Identifiers: Orphanet 145, MedGen C2675520, MONDO:0012933, OMIM 612555. Disease mechanism: loss of function.
Familial cancer of breast. Also called: BREAST CANCER, FAMILIAL; hereditary breast carcinoma; Hereditary breast cancer. Identifiers: Orphanet 227535, MedGen C0346153, MONDO:0016419, OMIM 114480. Disease mechanism: loss of function.

Submissions (11):

Evidence-based Network for the Interpretation of Germline Mutant Alleles (ENIGMA)
Classification: Pathogenic for Breast-ovarian cancer, familial, susceptibility to, 2. Last evaluated: 2016-09-08. Review status: reviewed by expert panel. Criteria: ENIGMA BRCA1/2 Classification Criteria (2015). Collection method: curation. Allele origin: germline.
Comment: Variant allele predicted to encode a truncated non-functional protein.

Labcorp Genetics (formerly Invitae), Labcorp
Classification: Pathogenic for Hereditary breast ovarian cancer syndrome. Last evaluated: 2025-09-22. Review status: criteria provided, single submitter. Criteria: Invitae Variant Classification Sherloc (09022015). Collection method: clinical testing. Allele origin: germline. Not counted in ClinVar's aggregate classification.
Comment: This sequence change creates a premature translational stop signal (p.Thr933Argfs*2) in the BRCA2 gene. It is expected to result in an absent or disrupted protein product. Loss-of-function variants in BRCA2 are known to be pathogenic (PMID: 20104584). This variant is not present in population databases (gnomAD no frequency). This premature translational stop signal has been observed in individual(s) with breast and ovarian cancer (PMID: 15117986, 22798144, 27383479, 28205045, 29020732). This variant is also known as 3026delCA in theliterature. For these reasons, this variant has been classified as Pathogenic.

Baylor Genetics
Classification: Pathogenic for Familial cancer of breast. Last evaluated: 2023-08-25. Review status: criteria provided, single submitter. Criteria: ACMG Guidelines, 2015. Collection method: clinical testing. Allele origin: unknown. Not counted in ClinVar's aggregate classification.

Ambry Genetics
Classification: Pathogenic for Hereditary cancer-predisposing syndrome. Last evaluated: 2022-06-01. Review status: criteria provided, single submitter. Criteria: Ambry Variant Classification Scheme 2023. Collection method: clinical testing. Allele origin: germline. Not counted in ClinVar's aggregate classification.
Comment: The c.2798_2799delCA pathogenic mutation, located in coding exon 10 of the BRCA2 gene, results from a deletion of two nucleotides at nucleotide positions 2798 to 2799, causing a translational frameshift with a predicted alternate stop codon (p.T933Rfs*2). This alteration has been identified in individuals diagnosed with breast and/or ovarian cancer (Choi DH et al. J Clin Oncol, 2004 May;22:1638-45; Ryu JM et al. Breast Cancer Res Treat, 2019 Jan;173:385-395; Paik ES et al. Cancer Sci, 2021 Dec;112:5055-5067). This variant is considered to be rare based on population cohorts in the Genome Aggregation Database (gnomAD). Of note, this alteration is also known as 3026delCA in published literature. In addition to the clinical data presented in the literature, this alteration is expected to result in loss of function by premature protein truncation or nonsense-mediated mRNA decay. As such, this alteration is interpreted as a disease-causing mutation.

Sema4
Classification: Pathogenic for Hereditary cancer-predisposing syndrome. Last evaluated: 2021-03-15. Review status: criteria provided, single submitter. Criteria: Sema4 Curation Guidelines. Collection method: curation. Allele origin: germline. Not counted in ClinVar's aggregate classification.
Comment: The BRCA2 c.2798_2799delCA (p.T933RfsX2) variant has been reported in heterozygosity in numerous individuals with hereditary breast and/or ovarian cancer (PMID: 15117986, 29020732, 28205045, 30309222, 30350268, 27383479, 22798144). It is also known as 3026delCA in the literature. This variant causes a frameshift at amino acid 933 that results in premature termination 2 amino acids downstream. At this location, this is predicted to cause nonsense-mediated decay and result in an absent protein (loss of function). Loss of function variants in BRCA1 or BRCA2 are known to be pathogenic (PMID: 29446198). This variant is not reported in the population database Genome Aggregation Database (PMID: 32461654). This variant has been classified as pathogenic by a ClinGen-approved expert panel. Based on the current evidence available, this variant is interpreted as pathogenic.

Color Diagnostics, LLC DBA Color Health
Classification: Pathogenic for Hereditary cancer-predisposing syndrome. Last evaluated: 2021-01-02. Review status: criteria provided, single submitter. Criteria: ACMG Guidelines, 2015. Collection method: clinical testing. Allele origin: germline. Not counted in ClinVar's aggregate classification.
Comment: This variant deletes 2 nucleotides in exon 11 of the BRCA2 gene, creating a frameshift and premature translation stop signal. This variant is expected to result in an absent or non-functional protein product. To our knowledge, functional studies have not been reported for this variant. This variant has been reported in individuals affected with breast or ovarian cancer (PMID: 15117986, 22798144, 25863477, 26187060, 27153395, 27062684, 28111427, 28392550, 29020732, 32614418). This variant has not been identified in the general population by the Genome Aggregation Database (gnomAD). Loss of BRCA2 function is a known mechanism of disease. Based on the available evidence, this variant is classified as Pathogenic.

Women's Health and Genetics/Laboratory Corporation of America, LabCorp
Classification: Pathogenic for Hereditary breast and ovarian cancer syndrome. Last evaluated: 2019-04-22. Review status: criteria provided, single submitter. Criteria: LabCorp Variant Classification Summary - May 2015. Collection method: clinical testing. Allele origin: germline. Not counted in ClinVar's aggregate classification.
Comment: Variant summary: BRCA2 c.2798_2799delCA (p.Thr933ArgfsX2) results in a premature termination codon, predicted to cause a truncation of the encoded protein or absence of the protein due to nonsense mediated decay, which are commonly known mechanisms for disease. The variant was absent in 250884 control chromosomes. c.2798_2799delCA has been reported in the literature in individuals affected with Hereditary Breast and Ovarian Cancer (Choi_2004, Eoh_2018, Park_2017. These data indicate that the variant is likely to be associated with disease. To our knowledge, no experimental evidence demonstrating an impact on protein function has been reported. Three submitters including an expert panel have provided clinical-significance assessments for this variant to ClinVar after 2014 without evidence for independent evaluation. All submitters classified the variant as pathogenic. Based on the evidence outlined above, the variant was classified as pathogenic.

Blueprint Genetics
Classification: Pathogenic for BRCA2-related disorders. Last evaluated: 2018-11-26. Review status: criteria provided, single submitter. Criteria: ACMG Guidelines, 2015. Collection method: clinical testing. Allele origin: germline. Affected: yes. Observed: 1 variant allele. Not counted in ClinVar's aggregate classification.

GeneDx
Classification: Pathogenic. Last evaluated: 2016-07-18. Review status: criteria provided, single submitter. Criteria: GeneDx Variant Classification (06012015). Collection method: clinical testing. Allele origin: germline. Affected: yes. Not counted in ClinVar's aggregate classification.
Comment: This deletion of two nucleotides in BRCA2 is denoted c.2798_2799delCA at the cDNA level and p.Thr933ArgfsX2 (T933RfsX2) at the protein level. The normal sequence, with the bases that are deleted in braces, is GACA[CA]GGTG. The deletion causes a frameshift which changes a Threonine to an Arginine at codon 933, and creates a premature stop codon at position 2 of the new reading frame. This variant is predicted to cause loss of normal protein function through either protein truncation or nonsense-mediated mRNA decay. BRCA2 c.2798_2799delCA, also published as 3026delCA using alternate nomenclature, has been observed in association with breast and ovarian cancer in patients of Korean descent (Choi 2004, Kim 2012, Kang 2015). We consider this variant to be pathogenic.

Consortium of Investigators of Modifiers of BRCA1/2 (CIMBA), c/o University of Cambridge
Classification: Pathogenic for Breast-ovarian cancer, familial, susceptibility to, 2. Last evaluated: 2015-10-02. Review status: criteria provided, single submitter. Criteria: CIMBA Mutation Classification guidelines May 2016. Collection method: clinical testing. Allele origin: germline. Not counted in ClinVar's aggregate classification.

Breast Cancer Information Core (BIC) (BRCA2)
Classification: Pathogenic for Breast-ovarian cancer, familial 2. Last evaluated: 2002-06-20. Review status: no assertion criteria provided. Collection method: clinical testing. Allele origin: germline. Affected: yes. Observed: 1 variant allele. Not counted in ClinVar's aggregate classification.

Literature cited by the submitters: PubMed 20104584 (cited by Labcorp Genetics (formerly Invitae), Labcorp); PubMed 15117986 (cited by 4 submitters); PubMed 22798144 (cited by Labcorp Genetics (formerly Invitae), Labcorp and Sema4); PubMed 27383479 (cited by Labcorp Genetics (formerly Invitae), Labcorp and Sema4); PubMed 28205045 (cited by 3 submitters); PubMed 29020732 (cited by 3 submitters); PubMed 30350268 (cited by Ambry Genetics and Sema4); PubMed 34657357 (cited by Ambry Genetics); PubMed 30309222 (cited by Sema4); PubMed 29446198 (cited by Sema4); PubMed 28111427 (cited by Women's Health and Genetics/Laboratory Corporation of America, LabCorp).

NM_000059.4(BRCA2):c.2798_2799del (p.Thr933fs)

Gene: BRCA2 (BRCA2 DNA repair associated; plus strand). Cytogenetic location: 13q13.1.
Variant type: Microsatellite.
Coding change: c.2798_2799del on transcript NM_000059.4 (MANE Select); coding-DNA positions 2798 to 2799, 2 bases deleted (CA; older notation c.2798_2799delCA).
Protein change: p.Thr933fs; shifts the reading frame from threonine 933.
Molecular consequence: frameshift variant.
Genome position (GRCh38, 1-based): chr13:32,337,153-32,337,154, CA deleted; deleting any 2 consecutive bases within chr13:32,337,150-32,337,154 gives the same sequence; the c. name uses the placement nearest the transcript's 3' end. VCF-style (leftmost placement, unchanged base first): chr13-32337149-GAC-G. GRCh37 (hg19) VCF-style: chr13-32911286-GAC-G.
Other names: 3026delCA; c.2798_2799delCA (NM_000059.3); short protein forms T933fs.
Identifiers: ClinVar variation 51347 (VCV000051347.21), dbSNP rs80359348, ClinGen allele CA016382.